The following is an entry in ClinVar:

NM_001105206.3(LAMA4):c.4262A>G (p.Lys1421Arg)

Gene: LAMA4 (laminin subunit alpha 4; minus strand). Cytogenetic location: 6q21.
Variant type: single nucleotide variant.
Coding change: c.4262A>G on transcript NM_001105206.3 (MANE Select); coding-DNA position 4262, A replaced by G.
Protein change: p.Lys1421Arg; replaces lysine 1421 with arginine.
Molecular consequence: missense variant.
Genome position (GRCh38, 1-based): chr6:112,128,947, T>C on the plus strand (A>G on the coding strand, the complement: LAMA4 is on the minus strand). VCF-style: chr6-112128947-T-C. GRCh37 (hg19) VCF-style: chr6-112450149-T-C.
Other names: c.4241A>G, p.Lys1414Arg (NM_001105207.3, NM_002290.5); short protein forms K1414R, K1421R.
Identifiers: ClinVar variation 3536974 (VCV003536974.1).

ClinVar aggregate classification (germline): Uncertain significance (1 of 4 stars; one submission).

Conditions:
Cardiovascular phenotype. Identifiers: MedGen CN230736.

gnomAD v4.1: 2 of 1,613,448 alleles (0.00012%); highest among the groups gnomAD compares: Non-Finnish European, 0.00017%; no homozygotes.

Submission:

Ambry Genetics
Classification: Uncertain significance for Cardiovascular phenotype. Last evaluated: 2024-11-30. Review status: criteria provided, single submitter. Criteria: Ambry Variant Classification Scheme 2023. Collection method: clinical testing. Allele origin: germline.
Comment: The p.K1414R variant (also known as c.4241A>G), located in coding exon 30 of the LAMA4 gene, results from an A to G substitution at nucleotide position 4241. The lysine at codon 1414 is replaced by arginine, an amino acid with highly similar properties. This amino acid position is conserved. In addition, this alteration is predicted to be tolerated by in silico analysis. Based on the available evidence, the clinical significance of this variant remains unclear.